The following is an entry in ClinVar:

ClinVar aggregate classification (germline): Pathogenic. Review status: criteria provided, multiple submitters, no conflicts (2 of 4 stars). 4 submissions from 4 submitters: Pathogenic (3). 1 of the submissions does not count toward it. Last evaluated 2025-06-02.

Conditions:
Keratosis linearis-ichthyosis congenita-sclerosing keratoderma syndrome. Also called: KLICK SYNDROME. Identifiers: Orphanet 281201, MedGen C1866029, MONDO:0011169, OMIM 601952.
POMP-related disorder. Also called: POMP-related condition.

Submissions (4):

Labcorp Genetics (formerly Invitae), Labcorp
Classification: Pathogenic. Last evaluated: 2025-06-02. Review status: criteria provided, single submitter. Criteria: Invitae Variant Classification Sherloc (09022015). Collection method: clinical testing. Allele origin: germline.
Comment: This variant occurs in a non-coding region of the POMP gene. It does not change the encoded amino acid sequence of the POMP protein. This variant is present in population databases (rs112368783, gnomAD 0.01%). This variant has been observed in individuals with keratosis linearis with ichthyosis congenita and sclerosis keratoderma (KLICK) syndrome (PMID: 20226437, 27503413). It has also been observed to segregate with disease in related individuals. ClinVar contains an entry for this variant (Variation ID: 116). Algorithms developed to predict the effect of variants on gene product structure and function are not available or were not evaluated for this variant. Experimental studies have shown that this variant affects POMP function (PMID: 22235297). For these reasons, this variant has been classified as Pathogenic.

GeneDx
Classification: Pathogenic. Last evaluated: 2025-03-11. Review status: criteria provided, single submitter. Criteria: GeneDx Variant Classification Process June 2021. Collection method: clinical testing. Allele origin: germline. Affected: yes.
Comment: Functional studies demonstrate a mild damaging effect on protein expression (PMID: 22235297); This variant is associated with the following publications: (PMID: 22235297, 20226437, 27503413, 32425927)

PreventionGenetics, part of Exact Sciences
Classification: Pathogenic for POMP-related condition. Last evaluated: 2024-10-08. Review status: criteria provided, single submitter. Criteria: ACMG Guidelines, 2015. Collection method: clinical testing. Allele origin: germline.
Comment: The POMP c.-95delC variant is located in the 5' untranslated region. This variant has been reported in the homozygous state in all described individuals with Keratosis Linearis with Ichthyosis Congenita and sclerosing Keratoderma (KLICK syndrome), and has been reported to segregate with disease in at least two families (Dahlqvist et al 2010. PubMed ID: 20226437, Figure S1; Morice-Picard F et al 2016. PubMed ID: 27503413). The c.-95del variant has been reported to lead to altered distribution of the proteasome maturation protein (POMP) in the horny epidermal layer (Dahlqvist et al 2010. PubMed ID: 20226437). This variant is reported in 0.013% of alleles in individuals of European (Non-Finnish) descent in gnomAD. This variant is interpreted as pathogenic.

OMIM
Classification: Pathogenic for KERATOSIS LINEARIS WITH ICHTHYOSIS CONGENITA AND SCLEROSING KERATODERMA. Last evaluated: 2010-04-09. Review status: no assertion criteria provided. Collection method: literature only. Allele origin: germline. Not counted in ClinVar's aggregate classification.

Literature cited by the submitters: PubMed 20226437 (cited by Labcorp Genetics (formerly Invitae), Labcorp and OMIM); PubMed 27503413 (cited by Labcorp Genetics (formerly Invitae), Labcorp); PubMed 22235297 (cited by Labcorp Genetics (formerly Invitae), Labcorp).

NM_015932.5(POMP):c.-95delC

Gene: POMP (proteasome maturation protein; plus strand). Cytogenetic location: 13q12.3.
Variant type: Deletion.
Coding change: c.-95delC on transcript NM_015932.5; 95 bases upstream of the start codon, one base deleted (C).
Genome position (GRCh38, 1-based): chr13:28,659,090, C deleted; the last of 2 consecutive C bases (chr13:28,659,089-28,659,090); deleting either gives the same sequence. VCF-style (leftmost placement, unchanged base first): chr13-28659088-TC-T. GRCh37 (hg19) VCF-style: chr13-29233225-TC-T.
Identifiers: ClinVar variation 116 (VCV000000116.10), dbSNP rs112368783, ClinGen allele CA113873.